The following is an entry in ClinVar:

ClinVar aggregate classification (germline): Pathogenic. Review status: criteria provided, multiple submitters, no conflicts (2 of 4 stars). 4 submissions from 4 submitters: Pathogenic (3). 1 of the submissions does not count toward it. Last evaluated 2024-02-11.

Conditions:
Hereditary spastic paraplegia 3A (SPG3A). Also called: SPASTIC PARAPLEGIA 3, AUTOSOMAL DOMINANT; FAMILIAL SPASTIC PARAPLEGIA, AUTOSOMAL DOMINANT, 1; SPG3; STRUMPELL DISEASE; Spastic Paraplegia 3A; Spastic paraplegia 3A, autosomal dominant. Identifiers: Orphanet 100984, MedGen C2931355, MONDO:0008437, OMIM 182600.

Submissions (4):

Labcorp Genetics (formerly Invitae), Labcorp
Classification: Pathogenic for Hereditary spastic paraplegia 3A. Last evaluated: 2024-02-11. Review status: criteria provided, single submitter. Criteria: Invitae Variant Classification Sherloc (09022015). Collection method: clinical testing. Allele origin: germline.
Comment: This sequence change replaces threonine, which is neutral and polar, with isoleucine, which is neutral and non-polar, at codon 156 of the ATL1 protein (p.Thr156Ile). This variant is not present in population databases (gnomAD no frequency). This missense change has been observed in individuals with autosomal dominant hereditary spastic paraplegia (PMID: 15477516). It has also been observed to segregate with disease in related individuals. ClinVar contains an entry for this variant (Variation ID: 21531). Advanced modeling of protein sequence and biophysical properties (such as structural, functional, and spatial information, amino acid conservation, physicochemical variation, residue mobility, and thermodynamic stability) performed at Invitae indicates that this missense variant is expected to disrupt ATL1 protein function with a positive predictive value of 80%. For these reasons, this variant has been classified as Pathogenic.

Athena Diagnostics
Classification: Pathogenic. Last evaluated: 2018-07-26. Review status: criteria provided, single submitter. Criteria: Athena Diagnostics Criteria. Collection method: clinical testing. Allele origin: germline.

Molecular Diagnostics Laboratory, M Health Fairview: University of Minnesota
Classification: Pathogenic for Hereditary spastic paraplegia 3A. Last evaluated: 2017-01-13. Review status: criteria provided, single submitter. Criteria: ACMG Guidelines, 2015. Collection method: clinical testing. Allele origin: germline. Affected: yes. Observed: 1 variant allele.

GeneReviews
No classification provided. Condition: Hereditary spastic paraplegia 3A. Review status: no classification provided. Collection method: literature only. Allele origin: unknown. Not counted in ClinVar's aggregate classification.

Literature cited by the submitters: PubMed 15477516 (cited by 3 submitters); PubMed 20862796 (cited by GeneReviews); NCBI Bookshelf NBK45978 (cited by GeneReviews).

NM_015915.5(ATL1):c.467C>T (p.Thr156Ile)

Gene: ATL1 (atlastin GTPase 1; plus strand). Cytogenetic location: 14q22.1.
Variant type: single nucleotide variant.
Coding change: c.467C>T on transcript NM_015915.5 (MANE Select); coding-DNA position 467, C replaced by T.
Protein change: p.Thr156Ile; replaces threonine 156 with isoleucine.
Molecular consequence: missense variant.
Genome position (GRCh38, 1-based): chr14:50,591,584, C>T. VCF-style: chr14-50591584-C-T. GRCh37 (hg19) VCF-style: chr14-51058302-C-T.
Other names: c.467C>T, p.Thr156Ile (NM_001127713.1, NM_181598.4); short protein forms T156I.
Identifiers: ClinVar variation 21531 (VCV000021531.12), dbSNP rs137852657, ClinGen allele CA342181.